The following is an entry in ClinVar:

NM_021067.5(GINS1):c.515dup (p.Asn172fs)

Gene: GINS1 (GINS complex subunit 1; plus strand). Cytogenetic location: 20p11.21.
Variant type: Duplication.
Coding change: c.515dup on transcript NM_021067.5 (MANE Select); coding-DNA position 515, one base duplicated (A; older notation c.515dupA).
Protein change: p.Asn172fs; shifts the reading frame from asparagine 172.
Molecular consequence: frameshift variant. On other transcripts: non-coding transcript variant (1).
Genome position (GRCh38, 1-based): chr20:25,441,769, A duplicated; the last of 9 consecutive A bases (chr20:25,441,761-25,441,769); duplicating any one gives the same sequence. VCF-style (leftmost placement, unchanged base first): chr20-25441760-T-TA. GRCh37 (hg19) VCF-style: chr20-25422396-T-TA.
Other names: short protein forms N172fs.
Identifiers: ClinVar variation 1481459 (VCV001481459.7), dbSNP rs750227570, ClinGen allele CA9796574.

ClinVar aggregate classification (germline): Uncertain significance. Review status: criteria provided, multiple submitters, no conflicts (2 of 4 stars). 2 submissions from 2 submitters: Uncertain significance (2). Last evaluated 2025-07-21.

Submissions (2):

Labcorp Genetics (formerly Invitae), Labcorp
Classification: Uncertain significance. Last evaluated: 2025-07-21. Review status: criteria provided, single submitter. Criteria: Invitae Variant Classification Sherloc (09022015). Collection method: clinical testing. Allele origin: germline.
Comment: This sequence change creates a premature translational stop signal (p.Asn172Lysfs*2) in the GINS1 gene. While this is not anticipated to result in nonsense mediated decay, it is expected to disrupt the last 25 amino acid(s) of the GINS1 protein. The frequency data for this variant in the population databases is considered unreliable, as metrics indicate poor data quality at this position in the gnomAD database. This variant has not been reported in the literature in individuals affected with GINS1-related conditions. ClinVar contains an entry for this variant (Variation ID: 1481459). Experimental studies and prediction algorithms are not available or were not evaluated, and the functional significance of this variant is currently unknown. In summary, the available evidence is currently insufficient to determine the role of this variant in disease. Therefore, it has been classified as a Variant of Uncertain Significance.

Blueprint Genetics
Classification: Uncertain significance. Last evaluated: 2024-10-22. Review status: criteria provided, single submitter. Criteria: ACMG Guidelines, 2015. Collection method: clinical testing. Allele origin: germline.